The following is an entry in ClinVar:

ClinVar aggregate classification (germline): Conflicting classifications of pathogenicity. Review status: criteria provided, conflicting classifications (1 of 4 stars). 4 submissions from 4 submitters: Uncertain significance (3); Likely benign (1). Last evaluated 2025-11-05.

Conditions:
Hereditary cancer-predisposing syndrome. Also called: Hereditary neoplastic syndrome; Tumor predisposition; Neoplastic Syndromes, Hereditary; Hereditary Cancer Syndrome. Identifiers: Orphanet 140162, MedGen C0027672, MeSH D009386, MONDO:0015356.
Hereditary breast ovarian cancer syndrome. Also called: Hereditary breast and ovarian cancer syndrome; Breast and ovarian cancer; Hereditary breast and ovarian cancer; Hereditary breast and/or ovarian cancer syndrome; Hereditary breast and ovarian cancer syndrome (HBOC); BRCA1- and BRCA2-Associated Hereditary Breast and Ovarian Cancer. Identifiers: Orphanet 145, MedGen C0677776, MeSH D061325, MONDO:0003582. Disease mechanism: loss of function.

Allele frequency attached by ClinVar (database versions not stated): TOPMed below 0.00001; gnomAD 0.00001.
gnomAD v4.1: 1 of 1,613,854 alleles (0.000062%); highest among the groups gnomAD compares: Non-Finnish European, 0.000085%; no homozygotes.

Submissions (4):

Labcorp Genetics (formerly Invitae), Labcorp
Classification: Uncertain significance for Hereditary breast ovarian cancer syndrome. Last evaluated: 2025-11-05. Review status: criteria provided, single submitter. Criteria: Invitae Variant Classification Sherloc (09022015). Collection method: clinical testing. Allele origin: germline.
Comment: This sequence change replaces serine, which is neutral and polar, with glycine, which is neutral and non-polar, at codon 782 of the BRCA1 protein (p.Ser782Gly). This variant is not present in population databases (gnomAD no frequency). This variant has not been reported in the literature in individuals affected with BRCA1-related conditions. ClinVar contains an entry for this variant (Variation ID: 570674). Invitae Evidence Modeling of protein sequence and biophysical properties (such as structural, functional, and spatial information, amino acid conservation, physicochemical variation, residue mobility, and thermodynamic stability) indicates that this missense variant is expected to disrupt BRCA1 protein function with a positive predictive value of 80%. In summary, the available evidence is currently insufficient to determine the role of this variant in disease. Therefore, it has been classified as a Variant of Uncertain Significance.

Ambry Genetics
Classification: Uncertain significance for Hereditary cancer-predisposing syndrome. Last evaluated: 2024-06-14. Review status: criteria provided, single submitter. Criteria: Ambry Variant Classification Scheme 2023. Collection method: clinical testing. Allele origin: germline.
Comment: The p.S782G variant (also known as c.2344A>G), located in coding exon 9 of the BRCA1 gene, results from an A to G substitution at nucleotide position 2344. The serine at codon 782 is replaced by glycine, an amino acid with similar properties. This amino acid position is well conserved in available vertebrate species. In addition, the in silico prediction for this alteration is inconclusive. Based on the available evidence, the clinical significance of this variant remains unclear.

Color Diagnostics, LLC DBA Color Health
Classification: Uncertain significance for Hereditary cancer-predisposing syndrome. Last evaluated: 2024-01-02. Review status: criteria provided, single submitter. Criteria: ACMG Guidelines, 2015. Collection method: clinical testing. Allele origin: germline.
Comment: This missense variant replaces serine with glycine at codon 782 of the BRCA1 protein. Computational prediction is inconclusive regarding the impact of this variant on protein structure and function. To our knowledge, functional studies have not been reported for this variant. This variant has not been reported in individuals affected with BRCA1-related disorders in the literature. This variant has not been identified in the general population by the Genome Aggregation Database (gnomAD). The available evidence is insufficient to determine the role of this variant in disease conclusively. Therefore, this variant is classified as a Variant of Uncertain Significance.

University of Washington Department of Laboratory Medicine, University of Washington
Classification: Likely benign for Hereditary cancer-predisposing syndrome. Last evaluated: 2023-03-23. Review status: criteria provided, single submitter. Criteria: Dines et al. (Genet Med. 2020). Collection method: curation. Allele origin: germline.
Comment: Missense variant in a coldspot region where missense variants are very unlikely to be pathogenic (PMID:31911673).

BRCA1 coldspot (exon 11 using historical exon numbering). Reclassification based on statistical prior probability

NM_007294.4(BRCA1):c.2344A>G (p.Ser782Gly)

Gene: BRCA1 (BRCA1 DNA repair associated; minus strand). Cytogenetic location: 17q21.31.
Variant type: single nucleotide variant.
Coding change: c.2344A>G on transcript NM_007294.4 (MANE Select); coding-DNA position 2344, A replaced by G.
Protein change: p.Ser782Gly; replaces serine 782 with glycine.
Molecular consequence: missense variant. On other transcripts: intron variant (137).
Genome position (GRCh38, 1-based): chr17:43,093,187, T>C on the plus strand (A>G on the coding strand, the complement: BRCA1 is on the minus strand). VCF-style: chr17-43093187-T-C. GRCh37 (hg19) VCF-style: chr17-41245204-T-C.
Other names: c.2200A>G, p.Ser734Gly (NM_001407839.1, NM_001407845.1, NM_001407847.1 and 20 more transcripts); c.784+1557A>G (NM_001407986.1, NM_001407972.1, NM_001408397.1 and 13 more transcripts); c.664+1557A>G (NM_001408441.1, NM_001408437.1, NM_001408429.1 and 12 more transcripts); c.787+1557A>G (NM_001407979.1, NM_001407977.1, NM_001407982.1 and 17 more transcripts); c.646+1557A>G (NM_001408410.1, NM_001408458.1, NM_001408469.1 and 11 more transcripts); c.709+1557A>G (NM_001408415.1, NM_001408412.1, NM_001408409.1 and 2 more transcripts); c.577+1557A>G (NM_001408483.1, NM_001408481.1, NM_001408480.1 and 9 more transcripts); c.2131A>G, p.Ser711Gly (NM_001407571.1, NM_001407853.1, NM_001407894.1 and 9 more transcripts); and 41 more; short protein forms S782G, S735G, S654G, S711G, S715G, S755G, S779G, S655G.
Identifiers: ClinVar variation 570674 (VCV000570674.18), dbSNP rs1433746078, ClinGen allele CA10597319.